The following is an entry in ClinVar:

NM_178822.5(IGSF10):c.5051G>C (p.Arg1684Thr)

Gene: IGSF10 (immunoglobulin superfamily member 10; minus strand). Cytogenetic location: 3q25.1.
Variant type: single nucleotide variant.
Coding change: c.5051G>C on transcript NM_178822.5 (MANE Select); coding-DNA position 5051, G replaced by C.
Protein change: p.Arg1684Thr; replaces arginine 1684 with threonine.
Molecular consequence: missense variant.
Genome position (GRCh38, 1-based): chr3:151,444,930, C>G on the plus strand (G>C on the coding strand, the complement: IGSF10 is on the minus strand). VCF-style: chr3-151444930-C-G. GRCh37 (hg19) VCF-style: chr3-151162718-C-G.
Other names: c.5051G>C, p.Arg1684Thr (NM_001385060.1, NM_001385061.1, NM_001385062.1 and 1 more transcripts); c.5051G>C (NM_178822.4); short protein forms R1684T.
Identifiers: ClinVar variation 2195763 (VCV002195763.6), dbSNP rs149854696, ClinGen allele CA2669847.
Genomic context (GRCh38, chr3:151,444,930, plus strand): 5'-CTTCTTGTTTTCTAACAAAAACTAAGTGTAAAGAAAAAGTTTCACATACCTGATGGGACT[C>G]TGGTCCAATGAATGGTGGGCAGGGGATTTCCAACAGCTTCACAGGGAAGAAAGGCATCTG-3'
Protein context (NP_849144.2, residues 1674-1694): GNPLPTIHWT[Arg1684Thr]VPSGLDLSKR

ClinVar aggregate classification (germline): Uncertain significance. Review status: criteria provided, multiple submitters, no conflicts (2 of 4 stars). 2 submissions from 2 submitters: Uncertain significance (2). Last evaluated 2025-04-10.

Allele frequency attached by ClinVar (database versions not stated): ESP Exome Variant Server 0.00008; gnomAD 0.00009; TOPMed 0.00009; gnomAD exomes 0.00011; 1000 Genomes Project 30x 0.00016; 1000 Genomes Project 0.00020; ExAC 0.00021.
gnomAD v4.1: 188 of 1,602,524 alleles (0.012%); highest among the groups gnomAD compares: Middle Eastern, 0.1%; no homozygotes.

Submissions (2):

Ambry Genetics
Classification: Uncertain significance. Last evaluated: 2025-04-10. Review status: criteria provided, single submitter. Criteria: Ambry Variant Classification Scheme 2023. Collection method: clinical testing. Allele origin: germline.

Labcorp Genetics (formerly Invitae), Labcorp
Classification: Uncertain significance. Last evaluated: 2024-12-02. Review status: criteria provided, single submitter. Criteria: Invitae Variant Classification Sherloc (09022015). Collection method: clinical testing. Allele origin: germline.
Comment: This sequence change replaces arginine, which is basic and polar, with threonine, which is neutral and polar, at codon 1684 of the IGSF10 protein (p.Arg1684Thr). This variant is present in population databases (rs149854696, gnomAD 0.09%), and has an allele count higher than expected for a pathogenic variant. This variant has not been reported in the literature in individuals affected with IGSF10-related conditions. ClinVar contains an entry for this variant (Variation ID: 2195763). An algorithm developed to predict the effect of missense changes on protein structure and function (PolyPhen-2) suggests that this variant is likely to be disruptive. In summary, the available evidence is currently insufficient to determine the role of this variant in disease. Therefore, it has been classified as a Variant of Uncertain Significance.